The following is an entry in ClinVar:

NM_001366521.1(ATP2B1):c.151G>A (p.Glu51Lys)

Gene: ATP2B1 (ATPase plasma membrane Ca2+ transporting 1; minus strand). Cytogenetic location: 12q21.33.
Variant type: single nucleotide variant.
Coding change: c.151G>A on transcript NM_001366521.1 (MANE Select); coding-DNA position 151, G replaced by A.
Protein change: p.Glu51Lys; replaces glutamic acid 51 with lysine.
Molecular consequence: missense variant. On other transcripts: non-coding transcript variant (3).
Genome position (GRCh38, 1-based): chr12:89,655,736, C>T on the plus strand (G>A on the coding strand, the complement: ATP2B1 is on the minus strand). VCF-style: chr12-89655736-C-T. GRCh37 (hg19) VCF-style: chr12-90049513-C-T.
Other names: c.151G>A, p.Glu51Lys (NM_001001323.2, NM_001366520.1, NM_001366522.1 and 26 more transcripts); short protein forms E51K.
Identifiers: ClinVar variation 5009291 (VCV005009291.1).

ClinVar aggregate classification (germline): Uncertain significance (1 of 4 stars; one submission).

Submission:

GeneDx
Classification: Uncertain significance. Last evaluated: 2026-03-16. Review status: criteria provided, single submitter. Criteria: GeneDx Variant Classification Process June 2021. Collection method: clinical testing. Allele origin: germline.
Comment: Not observed at significant frequency in large population cohorts (gnomAD); In silico analysis supports that this missense variant has a deleterious effect on protein structure/function; Has not been previously published as pathogenic or benign to our knowledge